The following is an entry in ClinVar:

ClinVar aggregate classification (germline): Likely pathogenic. Review status: criteria provided, multiple submitters, no conflicts (2 of 4 stars). 2 submissions from 2 submitters: Likely pathogenic (2). Last evaluated 2023-05-18.

Conditions:
Isovaleryl-CoA dehydrogenase deficiency (IVA). Also called: IVD DEFICIENCY; Classic Isovaleric Acidemia; ISOVALERIC ACID CoA DEHYDROGENASE DEFICIENCY; Isovaleric acidemia. Identifiers: Orphanet 33, MedGen C0268575, MONDO:0009475, OMIM 243500.

gnomAD v4.1: 1 of 1,614,130 alleles (0.000062%); highest among the groups gnomAD compares: East Asian, 0.0022%; no homozygotes.

Submissions (2):

Baylor Genetics
Classification: Likely pathogenic for Isovaleryl-CoA dehydrogenase deficiency. Last evaluated: 2023-05-18. Review status: criteria provided, single submitter. Criteria: ACMG Guidelines, 2015. Collection method: clinical testing. Allele origin: unknown.

Labcorp Genetics (formerly Invitae), Labcorp
Classification: Likely pathogenic for Isovaleryl-CoA dehydrogenase deficiency. Last evaluated: 2022-08-04. Review status: criteria provided, single submitter. Criteria: Invitae Variant Classification Sherloc (09022015). Collection method: clinical testing. Allele origin: germline.
Comment: Algorithms developed to predict the effect of sequence changes on RNA splicing suggest that this variant may disrupt the consensus splice site. In summary, the currently available evidence indicates that the variant is pathogenic, but additional data are needed to prove that conclusively. Therefore, this variant has been classified as Likely Pathogenic. Algorithms developed to predict the effect of missense changes on protein structure and function are either unavailable or do not agree on the potential impact of this missense change (SIFT: "Deleterious"; PolyPhen-2: "Possibly Damaging"; Align-GVGD: "Class C0"). This variant is also known as c.832A>G (Ser249Gly). This missense change has been observed in individual(s) with isovaleric acidemia (PMID: 17576084). This variant is not present in population databases (gnomAD no frequency). This sequence change replaces serine, which is neutral and polar, with glycine, which is neutral and non-polar, at codon 281 of the IVD protein (p.Ser281Gly).

Literature cited by the submitters: PubMed 17576084 (cited by Labcorp Genetics (formerly Invitae), Labcorp).

NM_002225.5(IVD):c.832A>G (p.Ser278Gly)

Gene: IVD (isovaleryl-CoA dehydrogenase; plus strand). Cytogenetic location: 15q15.1.
Variant type: single nucleotide variant.
Coding change: c.832A>G on transcript NM_002225.5 (MANE Select); coding-DNA position 832, A replaced by G.
Protein change: p.Ser278Gly; replaces serine 278 with glycine.
Molecular consequence: missense variant. On other transcripts: non-coding transcript variant (1).
Genome position (GRCh38, 1-based): chr15:40,414,936, A>G. VCF-style: chr15-40414936-A-G. GRCh37 (hg19) VCF-style: chr15-40707135-A-G.
Other names: c.742A>G, p.Ser248Gly (NM_001159508.3); c.784A>G, p.Ser262Gly (NM_001354597.3); c.832A>G, p.Ser278Gly (NM_001354598.3, NM_001354601.3); c.919A>G, p.Ser307Gly (NM_001354599.3, NM_001354600.3); short protein forms S262G, S307G, S278G, S248G.
Identifiers: ClinVar variation 2137649 (VCV002137649.5), dbSNP rs552272986, ClinGen allele CA391720709.